The following is an entry in ClinVar:

ClinVar aggregate classification (germline): Uncertain significance (1 of 4 stars; one submission).

Allele frequency attached by ClinVar (database versions not stated): gnomAD exomes 0.00001.
gnomAD v4.1: 6 of 1,614,166 alleles (0.00037%); highest among the groups gnomAD compares: Non-Finnish European, 0.00051%; no homozygotes.

Submission:

Ambry Genetics
Classification: Uncertain significance. Last evaluated: 2024-04-29. Review status: criteria provided, single submitter. Criteria: Ambry Variant Classification Scheme 2023. Collection method: clinical testing. Allele origin: germline.
Comment: The p.G847R variant (also known as c.2539G>A), located in coding exon 13 of the NPAT gene, results from a G to A substitution at nucleotide position 2539. The glycine at codon 847 is replaced by arginine, an amino acid with dissimilar properties. This amino acid position is conserved. In addition, this alteration is predicted to be tolerated by in silico analysis. Since supporting evidence is limited at this time, the clinical significance of this alteration remains unclear.

NM_002519.3(NPAT):c.2539G>A (p.Gly847Arg)

Gene: NPAT (nuclear protein, coactivator of histone transcription; minus strand). Cytogenetic location: 11q22.3.
Variant type: single nucleotide variant.
Coding change: c.2539G>A on transcript NM_002519.3 (MANE Select); coding-DNA position 2539, G replaced by A.
Protein change: p.Gly847Arg; replaces glycine 847 with arginine.
Molecular consequence: missense variant.
Genome position (GRCh38, 1-based): chr11:108,172,445, C>T on the plus strand (G>A on the coding strand, the complement: NPAT is on the minus strand). VCF-style: chr11-108172445-C-T. GRCh37 (hg19) VCF-style: chr11-108043172-C-T.
Other names: c.2539G>A, p.Gly847Arg (NM_001321307.1); short protein forms G847R.
Identifiers: ClinVar variation 1792791 (VCV001792791.3), dbSNP rs2496716852, ClinGen allele CA382512764.